The following is an entry in ClinVar:

ClinVar aggregate classification (germline): Uncertain significance. Review status: criteria provided, multiple submitters, no conflicts (2 of 4 stars). 2 submissions from 2 submitters: Uncertain significance (2). Last evaluated 2024-10-30.

gnomAD v4.1: 6 of 1,187,668 alleles (0.00051%); highest among the groups gnomAD compares: African/African-American, 0.0071%; no homozygotes.

Submissions (2):

Ambry Genetics
Classification: Uncertain significance. Last evaluated: 2024-10-30. Review status: criteria provided, single submitter. Criteria: Ambry Variant Classification Scheme 2023. Collection method: clinical testing. Allele origin: germline.

Women's Health and Genetics/Laboratory Corporation of America, LabCorp
Classification: Uncertain significance. Last evaluated: 2024-04-29. Review status: criteria provided, single submitter. Criteria: LabCorp Variant Classification Summary - May 2015. Collection method: clinical testing. Allele origin: germline.
Comment: Variant summary: TSR2 c.166C>T (p.Arg56Cys) results in a non-conservative amino acid change in the encoded protein sequence. Three of five in-silico tools predict a damaging effect of the variant on protein function. The variant allele was found at a frequency of 2.6e-05 in 156175 control chromosomes. The available data on variant occurrences in the general population are insufficient to allow any conclusion about variant significance. To our knowledge, no occurrence of c.166C>T in individuals affected with Diamond-Blackfan Anemia 14 With Mandibulofacial Dysostosis and no experimental evidence demonstrating its impact on protein function have been reported. No submitters have cited clinical-significance assessments for this variant to ClinVar. Based on the evidence outlined above, the variant was classified as uncertain significance.

NM_058163.3(TSR2):c.166C>T (p.Arg56Cys)

Gene: TSR2 (TSR2 ribosome maturation factor; plus strand). Cytogenetic location: Xp11.22.
Variant type: single nucleotide variant.
Coding change: c.166C>T on transcript NM_058163.3 (MANE Select); coding-DNA position 166, C replaced by T.
Protein change: p.Arg56Cys; replaces arginine 56 with cysteine.
Molecular consequence: missense variant. On other transcripts: 5 prime UTR variant (2), intron variant (1).
Genome position (GRCh38, 1-based): chrX:54,440,774, C>T. VCF-style: chrX-54440774-C-T. GRCh37 (hg19) VCF-style: chrX-54467207-C-T.
Other names: c.166C>T, p.Arg56Cys (NM_001346789.2); c.-222C>T (NM_001346790.2); c.-231C>T (NM_001346791.2); c.-114+272C>T (NM_001346792.2); c.166C>T (NM_058163.1); short protein forms R56C.
Identifiers: ClinVar variation 3251902 (VCV003251902.2), dbSNP rs374472583.
Genomic context (GRCh38, chrX:54,440,774, plus strand): 5'-GGTGTGCACAGCCAGGAGAAGGCCAAGTGGCTGGGGGGTGCAGTGGAGGATTACTTCATG[C>T]GCAATGGTGAGTGAATGTGAGGCGCCGCGACCCGCCTGTGTGGGGGTGTGGAGAGGAGGA-3'
Protein context (NP_477511.1, residues 46-66): LGGAVEDYFM[Arg56Cys]NADLELDEVE